The following is an entry in ClinVar:

ClinVar aggregate classification (germline): Uncertain significance (1 of 4 stars; one submission).

gnomAD v4.1: 5 of 1,605,574 alleles (0.00031%); highest among the groups gnomAD compares: Non-Finnish European, 0.00034%; no homozygotes.

Submission:

Labcorp Genetics (formerly Invitae), Labcorp
Classification: Uncertain significance. Last evaluated: 2024-12-11. Review status: criteria provided, single submitter. Criteria: Invitae Variant Classification Sherloc (09022015). Collection method: clinical testing. Allele origin: germline.
Comment: This sequence change replaces histidine, which is basic and polar, with tyrosine, which is neutral and polar, at codon 137 of the FTH1 protein (p.His137Tyr). This variant is not present in population databases (gnomAD no frequency). This variant has not been reported in the literature in individuals affected with FTH1-related conditions. An algorithm developed to predict the effect of missense changes on protein structure and function (PolyPhen-2) suggests that this variant is likely to be tolerated. In summary, the available evidence is currently insufficient to determine the role of this variant in disease. Therefore, it has been classified as a Variant of Uncertain Significance.

NM_002032.3(FTH1):c.409C>T (p.His137Tyr)

Genes: BEST1 (bestrophin 1; plus strand), FTH1 (ferritin heavy chain 1; minus strand). Cytogenetic location: 11q12.3.
Variant type: single nucleotide variant.
Coding change: c.409C>T on transcript NM_002032.3 (MANE Select); coding-DNA position 409, C replaced by T.
Protein change: p.His137Tyr; replaces histidine 137 with tyrosine.
Molecular consequence: missense variant.
Genome position (GRCh38, 1-based): chr11:61,964,870, G>A on the plus strand (C>T on the coding strand, the complement: FTH1 is on the minus strand). VCF-style: chr11-61964870-G-A. GRCh37 (hg19) VCF-style: chr11-61732342-G-A.
Other names: short protein forms H137Y.
Identifiers: ClinVar variation 3685070 (VCV003685070.2).
Genomic context (GRCh38, chr11:61,964,870, plus strand): 5'-GCAAGTTGGTCACGTGGTCACCCAATTCTTTGATGGCTTTCACCTGCTCATTCAGGTAAT[G>A]TGTCTCAATGAAGTCACACAACTGCAAAACAATGGGGAAGACAGTTAGTGGGCAGCTTTC-3'
Protein context (NP_002023.2, residues 127-147): DPHLCDFIET[His137Tyr]YLNEQVKAIK